The following is an entry in ClinVar:

ClinVar aggregate classification (germline): Likely benign (1 of 4 stars; one submission).

gnomAD v4.1: 18 of 1,613,616 alleles (0.0011%); highest among the groups gnomAD compares: Middle Eastern, 0.016%; no homozygotes.

Submission:

CeGaT Center for Human Genetics Tuebingen
Classification: Likely benign. Last evaluated: 2026-02-01. Review status: criteria provided, single submitter. Criteria: CeGaT Center For Human Genetics Tuebingen Variant Classification Criteria Version 2. Collection method: clinical testing. Allele origin: germline. Affected: yes. Observed: 1 variant allele.
Comment: MED12L: BP4, BP7

NM_001393769.1(MED12L):c.3831C>T (p.Tyr1277=)

Genes: MED12L (mediator complex subunit 12L; plus strand), P2RY12 (purinergic receptor P2Y12; minus strand). Cytogenetic location: 3q25.1.
Variant type: single nucleotide variant.
Coding change: c.3831C>T on transcript NM_001393769.1 (MANE Select); coding-DNA position 3831, C replaced by T.
Protein change: p.Tyr1277=; no amino-acid change (tyrosine 1277 retained).
Molecular consequence: synonymous variant. On other transcripts: intron variant (1).
Genome position (GRCh38, 1-based): chr3:151,372,733, C>T. VCF-style: chr3-151372733-C-T. GRCh37 (hg19) VCF-style: chr3-151090521-C-T.
Other names: c.3726C>T, p.Tyr1242= (NM_053002.6); c.-180+11959G>A (NM_022788.5).
Identifiers: ClinVar variation 4821242 (VCV004821242.4).